The following is an entry in ClinVar:

ClinVar aggregate classification (germline): Uncertain significance (1 of 4 stars; one submission).

Allele frequency attached by ClinVar (database versions not stated): gnomAD exomes below 0.00001.

Submission:

GeneDx
Classification: Uncertain significance. Last evaluated: 2023-01-19. Review status: criteria provided, single submitter. Criteria: GeneDx Variant Classification Process June 2021. Collection method: clinical testing. Allele origin: germline. Affected: yes.
Comment: Not observed at significant frequency in large population cohorts (gnomAD); Occurs in the triple helical domain at the Y position in the canonical Gly-X-Y repeat; although this variant may have an effect on normal protein folding and function, missense substitution at the Y position is not a common mechanism of disease.; In silico analysis supports that this missense variant does not alter protein structure/function; This variant is associated with the following publications: (PMID: 21625620)

NM_001845.6(COL4A1):c.3046A>G (p.Met1016Val)

Gene: COL4A1 (collagen type IV alpha 1 chain; minus strand). Cytogenetic location: 13q34.
Variant type: single nucleotide variant.
Coding change: c.3046A>G on transcript NM_001845.6 (MANE Select); coding-DNA position 3046, A replaced by G.
Protein change: p.Met1016Val; replaces methionine 1016 with valine.
Molecular consequence: missense variant.
Genome position (GRCh38, 1-based): chr13:110,176,436, T>C on the plus strand (A>G on the coding strand, the complement: COL4A1 is on the minus strand). VCF-style: chr13-110176436-T-C. GRCh37 (hg19) VCF-style: chr13-110828783-T-C.
Other names: short protein forms M1016V.
Identifiers: ClinVar variation 2573970 (VCV002573970.1), dbSNP rs2501775545, ClinGen allele CA388665734.